The following is an entry in ClinVar:

NM_021961.6(TEAD1):c.554C>T (p.Ala185Val)

Gene: TEAD1 (TEA domain transcription factor 1; plus strand). Cytogenetic location: 11p15.3.
Variant type: single nucleotide variant.
Coding change: c.554C>T on transcript NM_021961.6 (MANE Select); coding-DNA position 554, C replaced by T.
Protein change: p.Ala185Val; replaces alanine 185 with valine.
Molecular consequence: missense variant.
Genome position (GRCh38, 1-based): chr11:12,881,937, C>T. VCF-style: chr11-12881937-C-T. GRCh37 (hg19) VCF-style: chr11-12903484-C-T.
Other names: short protein forms A185V.
Identifiers: ClinVar variation 844176 (VCV000844176.12), dbSNP rs540903463, ClinGen allele CA5891654.

ClinVar aggregate classification (germline): Conflicting classifications of pathogenicity. Review status: criteria provided, conflicting classifications (1 of 4 stars). 3 submissions from 3 submitters: Uncertain significance (2); Likely benign (1). Last evaluated 2025-09-02.

Conditions:
Inborn genetic diseases. Identifiers: MedGen C0950123, MeSH D030342.

Allele frequency attached by ClinVar (database versions not stated): TOPMed 0.00001; gnomAD exomes 0.00006 and 0.00009; ExAC 0.00008; 1000 Genomes Project 30x 0.00031; 1000 Genomes Project 0.00040.
gnomAD v4.1: 95 of 1,614,174 alleles (0.0059%); highest among the groups gnomAD compares: South Asian, 0.06%; 1 homozygote.

Submissions (3):

Labcorp Genetics (formerly Invitae), Labcorp
Classification: Uncertain significance. Last evaluated: 2025-09-02. Review status: criteria provided, single submitter. Criteria: Invitae Variant Classification Sherloc (09022015). Collection method: clinical testing. Allele origin: germline.
Comment: This sequence change replaces alanine, which is neutral and non-polar, with valine, which is neutral and non-polar, at codon 185 of the TEAD1 protein (p.Ala185Val). This variant is present in population databases (rs540903463, gnomAD 0.05%), and has an allele count higher than expected for a pathogenic variant. This variant has not been reported in the literature in individuals affected with TEAD1-related conditions. ClinVar contains an entry for this variant (Variation ID: 844176). Invitae Evidence Modeling of protein sequence and biophysical properties (such as structural, functional, and spatial information, amino acid conservation, physicochemical variation, residue mobility, and thermodynamic stability) indicates that this missense variant is not expected to disrupt TEAD1 protein function with a negative predictive value of 80%. In summary, the available evidence is currently insufficient to determine the role of this variant in disease. Therefore, it has been classified as a Variant of Uncertain Significance.

Ambry Genetics
Classification: Uncertain significance for Inborn genetic diseases. Last evaluated: 2024-10-24. Review status: criteria provided, single submitter. Criteria: Ambry Variant Classification Scheme 2023. Collection method: clinical testing. Allele origin: germline.

Blueprint Genetics
Classification: Likely benign. Last evaluated: 2024-02-07. Review status: criteria provided, single submitter. Criteria: ACMG Guidelines, 2015. Collection method: clinical testing. Allele origin: germline.